The following is an entry in ClinVar:

NM_001367561.1(DOCK7):c.4321A>T (p.Asn1441Tyr)

Gene: DOCK7 (dedicator of cytokinesis 7; minus strand). Cytogenetic location: 1p31.3.
Variant type: single nucleotide variant.
Coding change: c.4321A>T on transcript NM_001367561.1 (MANE Select); coding-DNA position 4321, A replaced by T.
Protein change: p.Asn1441Tyr; replaces asparagine 1441 with tyrosine.
Molecular consequence: missense variant.
Genome position (GRCh38, 1-based): chr1:62,510,635, T>A on the plus strand (A>T on the coding strand, the complement: DOCK7 is on the minus strand). VCF-style: chr1-62510635-T-A. GRCh37 (hg19) VCF-style: chr1-62976306-T-A.
Other names: c.4294A>T, p.Asn1432Tyr (NM_001271999.2, NM_001330614.2); c.4201A>T, p.Asn1401Tyr (NM_001272000.2, NM_001272001.2); c.4228A>T, p.Asn1410Tyr (NM_033407.4); short protein forms N1432Y, N1401Y, N1441Y, N1410Y.
Identifiers: ClinVar variation 1428456 (VCV001428456.8), dbSNP rs2149333393, ClinGen allele CA340622822.

ClinVar aggregate classification (germline): Uncertain significance (1 of 4 stars; one submission).

Conditions:
Developmental and epileptic encephalopathy, 23 (DEE23). Also called: Epileptic encephalopathy, early infantile, 23. Identifiers: Orphanet 411986, MedGen C4014492, MONDO:0014371, OMIM 615859.

Submission:

Labcorp Genetics (formerly Invitae), Labcorp
Classification: Uncertain significance for Developmental and epileptic encephalopathy, 23. Last evaluated: 2022-08-23. Review status: criteria provided, single submitter. Criteria: Invitae Variant Classification Sherloc (09022015). Collection method: clinical testing. Allele origin: germline.
Comment: ClinVar contains an entry for this variant (Variation ID: 1428456). This sequence change replaces asparagine, which is neutral and polar, with tyrosine, which is neutral and polar, at codon 1432 of the DOCK7 protein (p.Asn1432Tyr). This variant is not present in population databases (gnomAD no frequency). This variant has not been reported in the literature in individuals affected with DOCK7-related conditions. Algorithms developed to predict the effect of missense changes on protein structure and function are either unavailable or do not agree on the potential impact of this missense change (SIFT: "Deleterious"; PolyPhen-2: "Possibly Damaging"; Align-GVGD: "Class C0"). In summary, the available evidence is currently insufficient to determine the role of this variant in disease. Therefore, it has been classified as a Variant of Uncertain Significance.